The following is an entry in ClinVar:

NM_003335.3(UBA7):c.453C>A (p.Thr151=)

Gene: UBA7 (ubiquitin like modifier activating enzyme 7; minus strand). Cytogenetic location: 3p21.31.
Variant type: single nucleotide variant.
Coding change: c.453C>A on transcript NM_003335.3 (MANE Select); coding-DNA position 453, C replaced by A.
Protein change: p.Thr151=; no amino-acid change (threonine 151 retained).
Molecular consequence: synonymous variant.
Genome position (GRCh38, 1-based): chr3:49,813,076, G>T on the plus strand (C>A on the coding strand, the complement: UBA7 is on the minus strand). VCF-style: chr3-49813076-G-T. GRCh37 (hg19) VCF-style: chr3-49850509-G-T.
Identifiers: ClinVar variation 3033798 (VCV003033798.2), dbSNP rs778754440, ClinGen allele CA2407347.

ClinVar aggregate classification (germline): Likely benign (0 of 4 stars; one submission).

Conditions:
UBA7-related disorder. Also called: UBA7-related condition.

Allele frequency attached by ClinVar (database versions not stated): ExAC 0.00001; gnomAD 0.00001.

Submission:

PreventionGenetics, part of Exact Sciences
Classification: Likely benign for UBA7-related condition. Last evaluated: 2019-06-13. Review status: no assertion criteria provided. Collection method: clinical testing. Allele origin: germline.
Comment: This variant is classified as likely benign based on ACMG/AMP sequence variant interpretation guidelines (Richards et al. 2015 PMID: 25741868, with internal and published modifications).